The following is an entry in ClinVar:

NM_000214.3(JAG1):c.2358C>A (p.Cys786Ter)

Gene: JAG1 (jagged canonical Notch ligand 1; minus strand). Cytogenetic location: 20p12.2.
Variant type: single nucleotide variant.
Coding change: c.2358C>A on transcript NM_000214.3 (MANE Select); coding-DNA position 2358, C replaced by A.
Protein change: p.Cys786Ter; replaces cysteine 786 with a stop codon.
Molecular consequence: nonsense.
Genome position (GRCh38, 1-based): chr20:10,644,371, G>T on the plus strand (C>A on the coding strand, the complement: JAG1 is on the minus strand). VCF-style: chr20-10644371-G-T. GRCh37 (hg19) VCF-style: chr20-10625019-G-T.
Other names: short protein forms C786*.
Identifiers: ClinVar variation 1210293 (VCV001210293.4), dbSNP rs1189479619, ClinGen allele CA408234792.

ClinVar aggregate classification (germline): Pathogenic (0 of 4 stars; one submission).

Conditions:
Alagille syndrome due to a JAG1 point mutation. Also called: HEPATIC DUCTULAR HYPOPLASIA, SYNDROMATIC; Alagille Syndrome 1; JAG1-Related Alagille Syndrome. Identifiers: Orphanet 261619, Orphanet 52, MedGen C1956125, MONDO:0016862, OMIM 118450.

Submission:

Department Of Genetics, Lifeline Super Speciality Hospital, Adoor.
Classification: Pathogenic for Alagille syndrome due to a JAG1 point mutation. Last evaluated: 2021-08-13. Review status: no assertion criteria provided. Collection method: clinical testing. Allele origin: de novo. Inheritance: Autosomal dominant inheritance. Affected: yes. Observed: 1 variant allele, 1 heterozygote.
Comment: Laboratory results revealed raised ALP/GGT, Hb-10.2g%. Liver Biopsy showed cholestatic liver disease possibility of PIBD. The variant Cys786Ter has not been reported in 1000genomes, gnomAD and ExAC.